The following is an entry in ClinVar:

ClinVar aggregate classification (germline): Uncertain significance (1 of 4 stars; one submission).

Conditions:
Autism spectrum disorder. Also called: Autism spectrum disorders. Identifiers: MedGen C1510586, MeSH D000067877, MONDO:0005258.

Submission:

Geschwind lab, University of California Los Angeles
Classification: Uncertain significance for Autism spectrum disorder. Last evaluated: 2015-10-12. Review status: criteria provided, single submitter. Criteria: ACMG CNV Guidelines 2011. Collection method: research. Allele origin: unknown. Affected: no. Observed: 1 variant allele.

Literature cited by the submitters: PubMed 27569545.

Single allele

Gene: MACROD2 (mono-ADP ribosylhydrolase 2; plus strand). Cytogenetic location: 20p12.1.
Variant type: Deletion.
Identifiers: ClinVar variation 236363 (VCV000236363.1).